The following is an entry in ClinVar:

ClinVar aggregate classification (germline): Uncertain significance (1 of 4 stars; one submission).

Allele frequency attached by ClinVar (database versions not stated): TOPMed 0.00001.
gnomAD v4.1: 7 of 1,550,530 alleles (0.00045%); highest among the groups gnomAD compares: Admixed American, 0.0039%; no homozygotes.

Submission:

Labcorp Genetics (formerly Invitae), Labcorp
Classification: Uncertain significance. Last evaluated: 2023-05-02. Review status: criteria provided, single submitter. Criteria: Invitae Variant Classification Sherloc (09022015). Collection method: clinical testing. Allele origin: germline.
Comment: ClinVar contains an entry for this variant (Variation ID: 1503949). This variant has not been reported in the literature in individuals affected with OTOG-related conditions. This variant is present in population databases (no rsID available, gnomAD 0.004%). This sequence change replaces alanine, which is neutral and non-polar, with aspartic acid, which is acidic and polar, at codon 565 of the OTOG protein (p.Ala565Asp). An algorithm developed to predict the effect of missense changes on protein structure and function (PolyPhen-2) suggests that this variant is likely to be disruptive. In summary, the available evidence is currently insufficient to determine the role of this variant in disease. Therefore, it has been classified as a Variant of Uncertain Significance.

NM_001292063.2(OTOG):c.1658C>A (p.Ala553Asp)

Gene: OTOG (otogelin; plus strand). Cytogenetic location: 11p15.1.
Variant type: single nucleotide variant.
Coding change: c.1658C>A on transcript NM_001292063.2 (MANE Select); coding-DNA position 1658, C replaced by A.
Protein change: p.Ala553Asp; replaces alanine 553 with aspartic acid.
Molecular consequence: missense variant.
Genome position (GRCh38, 1-based): chr11:17,569,169, C>A. VCF-style: chr11-17569169-C-A. GRCh37 (hg19) VCF-style: chr11-17590716-C-A.
Other names: c.1694C>A, p.Ala565Asp (NM_001277269.2); short protein forms A553D, A565D.
Identifiers: ClinVar variation 1503949 (VCV001503949.8), dbSNP rs1176349136, ClinGen allele CA379819316.
Genomic context (GRCh38, chr11:17,569,169, plus strand): 5'-AGGAGGGTCAGACCAACACTGCCCCATTGACCTTTCTATCTCTCCAGAACCAAGATGGAG[C>A]CTGTGTCCAGTCAGTGTCAGTGATTCTGCACCAGGACCCTCGGAGGCAGGTGACCCTGAC-3'
Protein context (NP_001278992.1, residues 543-563): NAPCGLNQDG[Ala553Asp]CVQSVSVILH